The following is an entry in ClinVar:

ClinVar aggregate classification (germline): Likely benign (0 of 4 stars; one submission).

Conditions:
TNS2-related disorder. Also called: TNS2-related condition.

gnomAD v4.1: 10 of 1,605,516 alleles (0.00062%); highest among the groups gnomAD compares: Non-Finnish European, 0.00017%; no homozygotes.

Submission:

PreventionGenetics, part of Exact Sciences
Classification: Likely benign for TNS2-related condition. Last evaluated: 2023-10-16. Review status: no assertion criteria provided. Collection method: clinical testing. Allele origin: germline.
Comment: This variant is classified as likely benign based on ACMG/AMP sequence variant interpretation guidelines (Richards et al. 2015 PMID: 25741868, with internal and published modifications).

NM_170754.4(TNS2):c.1941G>A (p.Leu647=)

Gene: TNS2 (tensin 2; plus strand). Cytogenetic location: 12q13.13.
Variant type: single nucleotide variant.
Coding change: c.1941G>A on transcript NM_170754.4 (MANE Select); coding-DNA position 1941, G replaced by A.
Protein change: p.Leu647=; no amino-acid change (leucine 647 retained).
Molecular consequence: synonymous variant.
Genome position (GRCh38, 1-based): chr12:53,059,582, G>A. VCF-style: chr12-53059582-G-A. GRCh37 (hg19) VCF-style: chr12-53453366-G-A.
Other names: c.1941G>A, p.Leu647= (NM_001416202.1); c.1899G>A, p.Leu633= (NM_001416203.1); c.1968G>A, p.Leu656= (NM_001416204.1); c.1872G>A, p.Leu624= (NM_015319.3); c.1569G>A, p.Leu523= (NM_198316.2).
Identifiers: ClinVar variation 3040074 (VCV003040074.2), dbSNP rs375551494, ClinGen allele CA6592483.